The following is an entry in ClinVar:

NM_016592.5(GNAS):c.397C>T (p.Pro133Ser)

Genes: GNAS (GNAS complex locus; plus strand), GNAS-AS1 (GNAS antisense RNA 1; minus strand). Cytogenetic location: 20q13.32.
Variant type: single nucleotide variant.
Coding change: c.397C>T on transcript NM_016592.5 (MANE Plus Clinical); coding-DNA position 397, C replaced by T.
Protein change: p.Pro133Ser; replaces proline 133 with serine.
Molecular consequence: missense variant. On other transcripts: 5 prime UTR variant (1).
Genome position (GRCh38, 1-based): chr20:58,840,503, C>T. VCF-style: chr20-58840503-C-T. GRCh37 (hg19) VCF-style: chr20-57415558-C-T.
Other names: c.-341C>T (NM_001410912.1); short protein forms P133S.
Identifiers: ClinVar variation 4979672 (VCV004979672.1).

ClinVar aggregate classification (germline): Uncertain significance (1 of 4 stars; one submission).

Conditions:
GNAS-related disorder. Identifiers: MedGen CN380105.

gnomAD v4.1: 36 of 1,613,238 alleles (0.0022%); highest among the groups gnomAD compares: South Asian, 0.0088%; no homozygotes.

Submission:

PreventionGenetics, part of Exact Sciences
Classification: Uncertain significance for GNAS-related condition. Last evaluated: 2026-06-22. Review status: criteria provided, single submitter. Criteria: ACMG Guidelines, 2015. Collection method: clinical testing. Allele origin: germline.
Comment: The GNAS c.397C>T variant is predicted to result in the amino acid substitution p.Pro133Ser. This variant is pre-coding in an alternative transcript NM_000516.5 c.-51224C>T. To our knowledge, this variant has not been reported in the literature. This variant is reported in 0.0065% of alleles in individuals of South Asian descent in gnomAD. At this time, the clinical significance of this variant is uncertain due to the absence of conclusive functional and genetic evidence.